The following is an entry in ClinVar:

ClinVar aggregate classification (germline): Conflicting classifications of pathogenicity. Review status: criteria provided, conflicting classifications (1 of 4 stars). 23 submissions from 19 submitters: Uncertain significance (4); Benign (5); Likely benign (8). 6 of the submissions do not count toward it. Last evaluated 2026-06-01.

Conditions:
TTN-related disorder. Also called: TTN-related condition; TTN-related disease; TTN-related disorders.
Cardiovascular phenotype. Identifiers: MedGen CN230736.
Dilated cardiomyopathy 1G (CMD1G). Identifiers: Orphanet 154, MedGen C1858763, MONDO:0011400, OMIM 604145.
Autosomal recessive limb-girdle muscular dystrophy type 2J (LGMDR10). Also called: Limb-girdle muscular dystrophy, type 2J; MUSCULAR DYSTROPHY, LIMB-GIRDLE, AUTOSOMAL RECESSIVE 10. Identifiers: Orphanet 140922, MedGen C1837342, MONDO:0012127, OMIM 608807.
Early-onset myopathy with fatal cardiomyopathy (CMYO5). Also called: Salih Myopathy; CONGENITAL MYOPATHY 5 WITH CARDIOMYOPATHY. Identifiers: Orphanet 289377, MedGen C2673677, MONDO:0012714, OMIM 611705. Disease mechanism: loss of function.
Myopathy, myofibrillar, 9, with early respiratory failure (MFM9). Also called: Hereditary myopathy with early respiratory failure; Myopathy, distal, with early respiratory failure, autosomal dominant; EDSTROM MYOPATHY; MYOPATHY, PROXIMAL, WITH EARLY RESPIRATORY MUSCLE INVOLVEMENT. Identifiers: Orphanet 178464, Orphanet 34521, MedGen C1863599, MONDO:0011362, OMIM 603689.
Tibial muscular dystrophy (TMD). Also called: Udd Distal Myopathy – Tibial Muscular Dystrophy; Tibial muscular dystrophy, tardive; UDD MYOPATHY. Identifiers: Orphanet 609, MedGen C1838244, MONDO:0010870, OMIM 600334.

Allele frequency attached by ClinVar (database versions not stated): 1000 Genomes Project 0.00040; ESP Exome Variant Server 0.00050; TOPMed 0.00051; gnomAD 0.00058 and 0.00060; 1000 Genomes Project 30x 0.00062; gnomAD exomes 0.00088 and 0.00093; ExAC 0.00130.
gnomAD v4.1: 1,369 of 1,613,516 alleles (0.085%); highest among the groups gnomAD compares: Non-Finnish European, 0.11%; no homozygotes.

Submissions (23):

CeGaT Center for Human Genetics Tuebingen
Classification: Likely benign. Last evaluated: 2026-06-01. Review status: criteria provided, single submitter. Criteria: CeGaT Center For Human Genetics Tuebingen Variant Classification Criteria Version 2. Collection method: clinical testing. Allele origin: germline. Affected: yes. Observed: 8 variant alleles.
Comment: TTN: BP4, BP7

Greenwood Genetic Center Diagnostic Laboratories, Greenwood Genetic Center
Classification: Uncertain significance. Last evaluated: 2026-04-08. Review status: criteria provided, single submitter. Criteria: ACMG Guidelines, 2015. Collection method: clinical testing. Allele origin: germline.
Comment: BP4

Labcorp Genetics (formerly Invitae), Labcorp
Classification: Benign for Dilated cardiomyopathy 1G; Autosomal recessive limb-girdle muscular dystrophy type 2J. Last evaluated: 2026-02-02. Review status: criteria provided, single submitter. Criteria: Invitae Variant Classification Sherloc (09022015). Collection method: clinical testing. Allele origin: germline.

Molecular Diagnostic Laboratory for Inherited Cardiovascular Disease, Montreal Heart Institute
Classification: Likely benign. Last evaluated: 2025-04-09. Review status: criteria provided, single submitter. Criteria: ACMG Guidelines, 2015. Collection method: clinical testing. Allele origin: germline. Affected: no.

Mayo Clinic Laboratories, Mayo Clinic
Classification: Likely benign. Last evaluated: 2025-02-24. Review status: criteria provided, single submitter. Criteria: ACMG Guidelines, 2015. Collection method: clinical testing. Allele origin: germline. Observed: 2 variant alleles.
Comment: BP4, BP7

Blueprint Genetics
Classification: Likely benign. Last evaluated: 2024-10-22. Review status: criteria provided, single submitter. Criteria: ACMG Guidelines, 2015. Collection method: clinical testing. Allele origin: germline.

ARUP Laboratories, Molecular Genetics and Genomics, ARUP Laboratories
Classification: Likely benign. Last evaluated: 2023-09-25. Review status: criteria provided, single submitter. Criteria: ARUP Molecular Germline Variant Investigation Process 2024. Collection method: clinical testing. Allele origin: germline.

Women's Health and Genetics/Laboratory Corporation of America, LabCorp
Classification: Benign. Last evaluated: 2023-08-19. Review status: criteria provided, single submitter. Criteria: LabCorp Variant Classification Summary - May 2015. Collection method: clinical testing. Allele origin: germline.

Ambry Genetics
Classification: Likely benign for Cardiovascular phenotype. Last evaluated: 2018-10-04. Review status: criteria provided, single submitter. Criteria: Ambry Variant Classification Scheme 2023. Collection method: clinical testing. Allele origin: germline.

Illumina Laboratory Services, Illumina
Classification: Uncertain significance for Early-onset myopathy with fatal cardiomyopathy. Last evaluated: 2018-01-13. Review status: criteria provided, single submitter. Criteria: ICSL Variant Classification Criteria 13 December 2019. Collection method: clinical testing. Allele origin: germline.

Illumina Laboratory Services, Illumina
Classification: Benign for Tibial muscular dystrophy. Last evaluated: 2018-01-13. Review status: criteria provided, single submitter. Criteria: ICSL Variant Classification Criteria 13 December 2019. Collection method: clinical testing. Allele origin: germline.
Comment: This variant was observed in the ICSL laboratory as part of a predisposition screen in an ostensibly healthy population. It had not been previously curated by ICSL or reported in the Human Gene Mutation Database (HGMD: prior to June 1st, 2018), and was therefore a candidate for classification through an automated scoring system. Utilizing variant allele frequency, disease prevalence and penetrance estimates, and inheritance mode, an automated score was calculated to assess if this variant is too frequent to cause the disease. Based on the score and internal cut-off values, a variant classified as benign is not then subjected to further curation. The score for this variant resulted in a classification of benign for this disease.

Illumina Laboratory Services, Illumina
Classification: Uncertain significance for Autosomal recessive limb-girdle muscular dystrophy type 2J. Last evaluated: 2018-01-13. Review status: criteria provided, single submitter. Criteria: ICSL Variant Classification Criteria 13 December 2019. Collection method: clinical testing. Allele origin: germline.

Illumina Laboratory Services, Illumina
Classification: Benign for Myopathy, myofibrillar, 9, with early respiratory failure. Last evaluated: 2018-01-13. Review status: criteria provided, single submitter. Criteria: ICSL Variant Classification Criteria 13 December 2019. Collection method: clinical testing. Allele origin: germline.
Comment: the same text as in the submission from Illumina Laboratory Services, Illumina above.

Illumina Laboratory Services, Illumina
Classification: Uncertain significance for Dilated cardiomyopathy 1G. Last evaluated: 2018-01-13. Review status: criteria provided, single submitter. Criteria: ICSL Variant Classification Criteria 13 December 2019. Collection method: clinical testing. Allele origin: germline.

Eurofins Ntd Llc (ga)
Classification: Likely benign. Last evaluated: 2015-10-02. Review status: criteria provided, single submitter. Criteria: EGL Classification Definitions 2015. Collection method: clinical testing. Allele origin: germline. Observed: 1 variant allele, 1 heterozygote.

GeneDx
Classification: Benign. Last evaluated: 2015-04-23. Review status: criteria provided, single submitter. Criteria: GeneDx Variant Classification (06012015). Collection method: clinical testing. Allele origin: germline. Affected: yes.
Comment: This variant is considered likely benign or benign based on one or more of the following criteria: it is a conservative change, it occurs at a poorly conserved position in the protein, it is predicted to be benign by multiple in silico algorithms, and/or has population frequency not consistent with disease.

Laboratory for Molecular Medicine, Mass General Brigham Personalized Medicine
Classification: Likely benign. Last evaluated: 2012-05-10. Review status: criteria provided, single submitter. Criteria: LMM Criteria. Collection method: clinical testing. Allele origin: germline. Observed: 4 variant alleles.
Comment: Pro17206Pro in exon 249 of TTN: This variant is not expected to have clinical si gnificance because it does not alter an amino acid residue and is not located wi thin the splice consensus sequence. It has been identified in 6/6636 European Am erican chromosomes from a broad population by the NHLBI Exome Sequencing Project (rs188063446). Pro17206Pro in exon 249 of T TN (allele frequency = 6/6636) **

PreventionGenetics, part of Exact Sciences
Classification: Likely benign for TTN-related condition. Last evaluated: 2019-11-14. Review status: no assertion criteria provided. Collection method: clinical testing. Allele origin: germline. Not counted in ClinVar's aggregate classification.
Comment: This variant is classified as likely benign based on ACMG/AMP sequence variant interpretation guidelines (Richards et al. 2015 PMID: 25741868, with internal and published modifications).

Clinical Genetics DNA and cytogenetics Diagnostics Lab, Erasmus MC, Erasmus Medical Center
Classification: Likely benign. Review status: no assertion criteria provided. Collection method: clinical testing. Allele origin: germline. Affected: yes. Study: VKGL Data-share Consensus. Not counted in ClinVar's aggregate classification.

Clinical Genetics, Academic Medical Center
Classification: Benign. Review status: no assertion criteria provided. Collection method: clinical testing. Allele origin: germline. Affected: yes. Study: VKGL Data-share Consensus. Not counted in ClinVar's aggregate classification.

Diagnostic Laboratory, Department of Genetics, University Medical Center Groningen
Classification: Likely benign. Review status: no assertion criteria provided. Collection method: clinical testing. Allele origin: germline. Affected: yes. Study: VKGL Data-share Consensus. Not counted in ClinVar's aggregate classification.

Genome Diagnostics Laboratory, University Medical Center Utrecht
Classification: Likely benign. Review status: no assertion criteria provided. Collection method: clinical testing. Allele origin: germline. Affected: yes. Study: VKGL Data-share Consensus. Not counted in ClinVar's aggregate classification.

Joint Genome Diagnostic Labs from Nijmegen and Maastricht, Radboudumc and MUMC+
Classification: Benign. Review status: no assertion criteria provided. Collection method: clinical testing. Allele origin: germline. Affected: yes. Study: VKGL Data-share Consensus. Not counted in ClinVar's aggregate classification.

NM_001267550.2(TTN):c.59322A>G (p.Pro19774=)

Genes: TTN (titin; minus strand), TTN-AS1 (TTN antisense RNA 1; plus strand), LOC126806424 (CDK7 strongly-dependent group 2 enhancer GRCh37_chr2:179456337-179457536; plus strand). Cytogenetic location: 2q31.2.
Variant type: single nucleotide variant.
Coding change: c.59322A>G on transcript NM_001267550.2 (MANE Select); coding-DNA position 59322, A replaced by G.
Protein change: p.Pro19774=; no amino-acid change (proline 19774 retained).
Molecular consequence: synonymous variant.
Genome position (GRCh38, 1-based): chr2:178,592,797, T>C on the plus strand (A>G on the coding strand, the complement: TTN is on the minus strand). VCF-style: chr2-178592797-T-C. GRCh37 (hg19) VCF-style: chr2-179457524-T-C.
Other names: p.Pro17206=; c.54399A>G, p.Pro18133= (NM_001256850.1); c.51618A>G, p.Pro17206= (NM_133378.4); c.32127A>G, p.Pro10709= (NM_003319.4); c.32502A>G, p.Pro10834= (NM_133432.3); c.32703A>G, p.Pro10901= (NM_133437.4).
Identifiers: ClinVar variation 47151 (VCV000047151.72), dbSNP rs188063446, ClinGen allele CA140144.